The following is an entry in ClinVar:

ClinVar aggregate classification (germline): Pathogenic. Review status: criteria provided, multiple submitters, no conflicts (2 of 4 stars). 4 submissions from 4 submitters: Pathogenic (3). 1 of the submissions does not count toward it. Last evaluated 2024-04-14.

Conditions:
ABCC6-related disorder. Also called: ABCC6-related condition.
Autosomal recessive inherited pseudoxanthoma elasticum (PXE). Identifiers: Orphanet 758, MedGen CN032334, MONDO:0009925, OMIM 264800.

Allele frequency attached by ClinVar (database versions not stated): TOPMed 0.00001.
gnomAD v4.1: 22 of 1,613,630 alleles (0.0014%); highest among the groups gnomAD compares: Non-Finnish European, 0.0019%; no homozygotes.

Submissions (4):

Labcorp Genetics (formerly Invitae), Labcorp
Classification: Pathogenic. Last evaluated: 2024-04-14. Review status: criteria provided, single submitter. Criteria: Invitae Variant Classification Sherloc (09022015). Collection method: clinical testing. Allele origin: germline.
Comment: This sequence change replaces arginine, which is basic and polar, with proline, which is neutral and non-polar, at codon 1114 of the ABCC6 protein (p.Arg1114Pro). This variant is present in population databases (rs63750427, gnomAD 0.007%). This missense change has been observed in individuals with pseudoxanthoma elasticum (PMID: 10835642, 17724214). ClinVar contains an entry for this variant (Variation ID: 6562). Advanced modeling of protein sequence and biophysical properties (such as structural, functional, and spatial information, amino acid conservation, physicochemical variation, residue mobility, and thermodynamic stability) performed at Invitae indicates that this missense variant is expected to disrupt ABCC6 protein function with a positive predictive value of 95%. Experimental studies have shown that this missense change affects ABCC6 function (PMID: 24352041). This variant disrupts the p.Arg1114 amino acid residue in ABCC6. Other variant(s) that disrupt this residue have been determined to be pathogenic (PMID: 16835894, 18157818, 18513494). This suggests that this residue is clinically significant, and that variants that disrupt this residue are likely to be disease-causing. For these reasons, this variant has been classified as Pathogenic.

PreventionGenetics, part of Exact Sciences
Classification: Pathogenic for ABCC6-related condition. Last evaluated: 2022-10-24. Review status: criteria provided, single submitter. Criteria: ACMG Guidelines, 2015. Collection method: clinical testing. Allele origin: germline.
Comment: The ABCC6 c.3341G>C variant is predicted to result in the amino acid substitution p.Arg1114Pro. This variant was reported in individuals with pseudoxanthoma elasticum (Le Saux et al. 2000. PubMed ID: 10835642; Le Saux et al. 2001. PubMed ID: 11536079; Hu et al. 2003. PubMed ID: 12850230). Of note, other variants impacting this same amino acid have been reported in individuals with pseudoxanthoma elasticum [c.3340C>T (p.Arg1114Cys) and c.3341G>A (p.Arg1114His)] (Gheduzzi et al. 2004. PubMed ID: 15459974; Supplementary Table S2, Verschuere et al. 2020. PubMed ID: 32873932; Supplementary Table S1, Boraldi et al. 2021. PubMed ID: 34205333). This variant is reported in 0.0016% of alleles in individuals of European (Non-Finnish) descent in gnomAD. Taken together, this variant is interpreted as pathogenic.

PXE International
Classification: Pathogenic for Autosomal recessive inherited pseudoxanthoma elasticum. Last evaluated: 2021-03-01. Review status: criteria provided, single submitter. Criteria: Submitter's publication. Collection method: research. Allele origin: germline. Inheritance: Autosomal recessive inheritance. Affected: yes.

OMIM
Classification: Pathogenic for PSEUDOXANTHOMA ELASTICUM. Last evaluated: 2018-06-15. Review status: no assertion criteria provided. Collection method: literature only. Allele origin: germline. Not counted in ClinVar's aggregate classification.

Literature cited by the submitters: PubMed 10835642 (cited by Labcorp Genetics (formerly Invitae), Labcorp); PubMed 17724214 (cited by Labcorp Genetics (formerly Invitae), Labcorp); PubMed 24352041 (cited by Labcorp Genetics (formerly Invitae), Labcorp); PubMed 16835894 (cited by Labcorp Genetics (formerly Invitae), Labcorp); PubMed 18157818 (cited by Labcorp Genetics (formerly Invitae), Labcorp); PubMed 18513494 (cited by Labcorp Genetics (formerly Invitae), Labcorp); PubMed 32873932 (cited by PXE International); PubMed 28102862 (cited by OMIM).

NM_001171.6(ABCC6):c.3341G>C (p.Arg1114Pro)

Gene: ABCC6 (ATP binding cassette subfamily C member 6; minus strand). Cytogenetic location: 16p13.11.
Variant type: single nucleotide variant.
Coding change: c.3341G>C on transcript NM_001171.6 (MANE Select); coding-DNA position 3341, G replaced by C.
Protein change: p.Arg1114Pro; replaces arginine 1114 with proline.
Molecular consequence: missense variant.
Genome position (GRCh38, 1-based): chr16:16,163,158, C>G on the plus strand (G>C on the coding strand, the complement: ABCC6 is on the minus strand). VCF-style: chr16-16163158-C-G. GRCh37 (hg19) VCF-style: chr16-16257015-C-G.
Other names: c.2999G>C, p.Arg1000Pro (NM_001351800.1); short protein forms R1114P, R1000P.
Identifiers: ClinVar variation 6562 (VCV000006562.8), dbSNP rs63750427, ClinGen allele CA281567.